The following is an entry in ClinVar:

ClinVar aggregate classification (germline): Uncertain significance (1 of 4 stars; one submission).

gnomAD v4.1: 1 of 1,614,170 alleles (0.000062%); highest among the groups gnomAD compares: Non-Finnish European, 0.000085%; no homozygotes.

Submission:

Labcorp Genetics (formerly Invitae), Labcorp
Classification: Uncertain significance. Last evaluated: 2022-03-26. Review status: criteria provided, single submitter. Criteria: Invitae Variant Classification Sherloc (09022015). Collection method: clinical testing. Allele origin: germline.
Comment: This variant has not been reported in the literature in individuals affected with NCKAP1L-related conditions. This variant is not present in population databases (gnomAD no frequency). This sequence change replaces threonine, which is neutral and polar, with isoleucine, which is neutral and non-polar, at codon 292 of the NCKAP1L protein (p.Thr292Ile). Algorithms developed to predict the effect of missense changes on protein structure and function are either unavailable or do not agree on the potential impact of this missense change (SIFT: "Tolerated"; PolyPhen-2: "Possibly Damaging"; Align-GVGD: "Class C0"). In summary, the available evidence is currently insufficient to determine the role of this variant in disease. Therefore, it has been classified as a Variant of Uncertain Significance.

NM_005337.5(NCKAP1L):c.875C>T (p.Thr292Ile)

Gene: NCKAP1L (NCK associated protein 1 like; plus strand). Cytogenetic location: 12q13.2.
Variant type: single nucleotide variant.
Coding change: c.875C>T on transcript NM_005337.5 (MANE Select); coding-DNA position 875, C replaced by T.
Protein change: p.Thr292Ile; replaces threonine 292 with isoleucine.
Molecular consequence: missense variant.
Genome position (GRCh38, 1-based): chr12:54,512,039, C>T. VCF-style: chr12-54512039-C-T. GRCh37 (hg19) VCF-style: chr12-54905823-C-T.
Other names: c.725C>T, p.Thr242Ile (NM_001184976.2); short protein forms T242I, T292I.
Identifiers: ClinVar variation 1969882 (VCV001969882.5), dbSNP rs767798885, ClinGen allele CA385131376.